The following is an entry in ClinVar:

ClinVar aggregate classification (germline): Uncertain significance (1 of 4 stars; one submission).

Allele frequency attached by ClinVar (database versions not stated): gnomAD exomes below 0.00001; ExAC 0.00001.
gnomAD v4.1: 1 of 1,611,334 alleles (0.000062%); highest among the groups gnomAD compares: Non-Finnish European, 0.000085%; no homozygotes.

Submission:

CeGaT Center for Human Genetics Tuebingen
Classification: Uncertain significance. Last evaluated: 2024-04-01. Review status: criteria provided, single submitter. Criteria: CeGaT Center For Human Genetics Tuebingen Variant Classification Criteria Version 2. Collection method: clinical testing. Allele origin: germline. Affected: yes. Observed: 1 variant allele.
Comment: HECTD4: PM2

NM_001388303.1(HECTD4):c.1579T>C (p.Tyr527His)

Gene: HECTD4 (HECT domain E3 ubiquitin protein ligase 4; minus strand). Cytogenetic location: 12q24.13.
Variant type: single nucleotide variant.
Coding change: c.1579T>C on transcript NM_001388303.1 (MANE Select); coding-DNA position 1579, T replaced by C.
Protein change: p.Tyr527His; replaces tyrosine 527 with histidine.
Molecular consequence: missense variant.
Genome position (GRCh38, 1-based): chr12:112,279,336, A>G on the plus strand (T>C on the coding strand, the complement: HECTD4 is on the minus strand). VCF-style: chr12-112279336-A-G. GRCh37 (hg19) VCF-style: chr12-112717140-A-G.
Other names: c.1579T>C, p.Tyr527His (NM_001109662.4); short protein forms Y527H.
Identifiers: ClinVar variation 3234542 (VCV003234542.20), dbSNP rs768646100, ClinGen allele CA6798111.